The following is an entry in ClinVar:

NM_017763.6(RNF43):c.1235A>C (p.Tyr412Ser)

Gene: RNF43 (ring finger protein 43; minus strand). Cytogenetic location: 17q22.
Variant type: single nucleotide variant.
Coding change: c.1235A>C on transcript NM_017763.6 (MANE Select); coding-DNA position 1235, A replaced by C.
Protein change: p.Tyr412Ser; replaces tyrosine 412 with serine.
Molecular consequence: missense variant.
Genome position (GRCh38, 1-based): chr17:58,358,541, T>G on the plus strand (A>C on the coding strand, the complement: RNF43 is on the minus strand). VCF-style: chr17-58358541-T-G. GRCh37 (hg19) VCF-style: chr17-56435902-T-G.
Other names: c.1235A>C, p.Tyr412Ser (NM_001305544.3); c.854A>C, p.Tyr285Ser (NM_001305545.2); short protein forms Y285S, Y412S.
Identifiers: ClinVar variation 2039962 (VCV002039962.4), dbSNP rs1348213537, ClinGen allele CA400330770.
Genomic context (GRCh38, chr17:58,358,541, plus strand): 5'-GGGCAAGCAGCAGGGTGCTGTGAGGTGGATTGGAGGTGGCTCAGTCCCCAGCCTTGTGCA[T>G]AGGGGTGCTGGGCTCCTGCCAGGCGCTGCTGCTCTCCTGGAGCCCGGGGATGTGCAGCTC-3'
Protein context (NP_060233.3, residues 402-422): QQRLAGAQHP[Tyr412Ser]AQGWGLSHLQ

ClinVar aggregate classification (germline): Uncertain significance (1 of 4 stars; one submission).

Submission:

Labcorp Genetics (formerly Invitae), Labcorp
Classification: Uncertain significance. Last evaluated: 2024-05-10. Review status: criteria provided, single submitter. Criteria: Invitae Variant Classification Sherloc (09022015). Collection method: clinical testing. Allele origin: germline.
Comment: This sequence change replaces tyrosine, which is neutral and polar, with serine, which is neutral and polar, at codon 412 of the RNF43 protein (p.Tyr412Ser). This variant is not present in population databases (gnomAD no frequency). This variant has not been reported in the literature in individuals affected with RNF43-related conditions. ClinVar contains an entry for this variant (Variation ID: 2039962). Algorithms developed to predict the effect of missense changes on protein structure and function output the following: SIFT: "Not Available"; PolyPhen-2: "Benign"; Align-GVGD: "Not Available". The serine amino acid residue is found in multiple mammalian species, which suggests that this missense change does not adversely affect protein function. In summary, the available evidence is currently insufficient to determine the role of this variant in disease. Therefore, it has been classified as a Variant of Uncertain Significance.